The following is an entry in ClinVar:

ClinVar aggregate classification (germline): Uncertain significance (1 of 4 stars; one submission).

Conditions:
Familial cancer of breast. Also called: hereditary breast carcinoma; Hereditary breast cancer; BREAST CANCER, FAMILIAL. Identifiers: Orphanet 227535, MedGen C0346153, MONDO:0016419, OMIM 114480. Disease mechanism: loss of function.

Submission:

Labcorp Genetics (formerly Invitae), Labcorp
Classification: Uncertain significance for Familial cancer of breast. Last evaluated: 2023-07-16. Review status: criteria provided, single submitter. Criteria: Invitae Variant Classification Sherloc (09022015). Collection method: clinical testing. Allele origin: germline.
Comment: In summary, the available evidence is currently insufficient to determine the role of this variant in disease. Therefore, it has been classified as a Variant of Uncertain Significance. Advanced modeling of protein sequence and biophysical properties (such as structural, functional, and spatial information, amino acid conservation, physicochemical variation, residue mobility, and thermodynamic stability) performed at Invitae indicates that this missense variant is not expected to disrupt PALB2 protein function. This variant has not been reported in the literature in individuals affected with PALB2-related conditions. This variant is not present in population databases (gnomAD no frequency). This sequence change replaces proline, which is neutral and non-polar, with serine, which is neutral and polar, at codon 684 of the PALB2 protein (p.Pro684Ser).

NM_024675.4(PALB2):c.2050C>T (p.Pro684Ser)

Gene: PALB2 (partner and localizer of BRCA2; minus strand). Cytogenetic location: 16p12.2.
Variant type: single nucleotide variant.
Coding change: c.2050C>T on transcript NM_024675.4 (MANE Select); coding-DNA position 2050, C replaced by T.
Protein change: p.Pro684Ser; replaces proline 684 with serine.
Molecular consequence: missense variant. On other transcripts: intron variant (1).
Genome position (GRCh38, 1-based): chr16:23,630,104, G>A on the plus strand (C>T on the coding strand, the complement: PALB2 is on the minus strand). VCF-style: chr16-23630104-G-A. GRCh37 (hg19) VCF-style: chr16-23641425-G-A.
Other names: c.1990C>T, p.Pro664Ser (NM_001407296.1); c.2050C>T, p.Pro684Ser (NM_001407297.1, NM_001407298.1, NM_001407299.1 and 3 more transcripts); c.1165C>T, p.Pro389Ser (NM_001407304.1, NM_001407305.1, NM_001407306.1 and 5 more transcripts); c.262C>T, p.Pro88Ser (NM_001407312.1, NM_001407313.1); c.49-829C>T (NM_001407314.1); short protein forms P389S, P664S, P684S, P88S.
Identifiers: ClinVar variation 2744060 (VCV002744060.3), dbSNP rs2142382431, ClinGen allele CA395126822.
Genomic context (GRCh38, chr16:23,630,104, plus strand): 5'-GTAATATGGATGAAGAAAGGCCCGTCTTTGTATGCTGGCTTTGCGAGTTTGGCCTTTTGG[G>A]ATGTGATTTTCCTGGTAGAACAATAAGGTCCTCTTCTAAGTCCTCCATTTCTGTATCCAT-3'
Protein context (NP_078951.2, residues 674-694): DLIVLPGKSH[Pro684Ser]KRPNSQSQHT